The following is an entry in ClinVar:

ClinVar aggregate classification (germline): Likely benign (1 of 4 stars; one submission).

Submission:

CeGaT Center for Human Genetics Tuebingen
Classification: Likely benign. Last evaluated: 2023-03-01. Review status: criteria provided, single submitter. Criteria: CeGaT Center For Human Genetics Tuebingen Variant Classification Criteria Version 2. Collection method: clinical testing. Allele origin: germline. Affected: yes. Observed: 1 variant allele.
Comment: NBPF15: PM2:Supporting, BP4, BP7

NM_001385408.1(NBPF15):c.1279C>T (p.Leu427=)

Gene: NBPF15 (NBPF member 15; minus strand). Cytogenetic location: 1q21.1.
Variant type: single nucleotide variant.
Coding change: c.1279C>T on transcript NM_001385408.1 (MANE Select); coding-DNA position 1279, C replaced by T.
Protein change: p.Leu427=; no amino-acid change (leucine 427 retained).
Molecular consequence: synonymous variant.
Genome position (GRCh38, 1-based): chr1:144,426,437, G>A on the plus strand (C>T on the coding strand, the complement: NBPF15 is on the minus strand). VCF-style: chr1-144426437-G-A. GRCh37 (hg19) VCF-style: chr1-148591214-C-T.
Other names: c.1279C>T, p.Leu427= (NM_001385404.1, NM_001385405.1, NM_001385406.1 and 43 more transcripts); c.1168C>T, p.Leu390= (NM_001385442.1, NM_001385443.1, NM_001385444.1 and 1 more transcripts); c.1054C>T, p.Leu352= (NM_001385446.1, NM_001385447.1); c.1363C>T, p.Leu455= (NM_001385448.1).
Identifiers: ClinVar variation 2639141 (VCV002639141.24), dbSNP rs1429668949, ClinGen allele CA420490403.